The following is an entry in ClinVar:

NM_001267550.2(TTN):c.87106A>T (p.Lys29036Ter)

Genes: TTN (titin; minus strand), TTN-AS1 (TTN antisense RNA 1; plus strand). Cytogenetic location: 2q31.2.
Variant type: single nucleotide variant.
Coding change: c.87106A>T on transcript NM_001267550.2 (MANE Select); coding-DNA position 87106, A replaced by T.
Protein change: p.Lys29036Ter; replaces lysine 29036 with a stop codon.
Molecular consequence: nonsense.
Genome position (GRCh38, 1-based): chr2:178,558,353, T>A on the plus strand (A>T on the coding strand, the complement: TTN is on the minus strand). VCF-style: chr2-178558353-T-A. GRCh37 (hg19) VCF-style: chr2-179423080-T-A.
Other names: c.82183A>T, p.Lys27395Ter (NM_001256850.1); c.59911A>T, p.Lys19971Ter (NM_003319.4); c.79402A>T, p.Lys26468Ter (NM_133378.4); c.60286A>T, p.Lys20096Ter (NM_133432.3); c.60487A>T, p.Lys20163Ter (NM_133437.4); short protein forms K20163*, K26468*, K29036*, K19971*, K20096*, K27395*.
Identifiers: ClinVar variation 2947686 (VCV002947686.3), dbSNP rs2469568618, ClinGen allele CA349539214.
Genomic context (GRCh38, chr2:178,558,353, plus strand): 5'-TCAATGCAAATAATTTCAAATTTTGCTTCTACACAAAATTAGACATACCTAGTTGCTCCT[T>A]AATAAGAACAGGAAGCAGAAGCTCTCTCGGGTCACTCAGGCCAGCTTGATTTTCAGCAAA-3'

ClinVar aggregate classification (germline): Likely pathogenic (1 of 4 stars; one submission).

Conditions:
Dilated cardiomyopathy 1G (CMD1G). Identifiers: Orphanet 154, MedGen C1858763, MONDO:0011400, OMIM 604145.
Autosomal recessive limb-girdle muscular dystrophy type 2J (LGMDR10). Also called: Limb-girdle muscular dystrophy, type 2J; MUSCULAR DYSTROPHY, LIMB-GIRDLE, AUTOSOMAL RECESSIVE 10. Identifiers: Orphanet 140922, MedGen C1837342, MONDO:0012127, OMIM 608807.

Submission:

Labcorp Genetics (formerly Invitae), Labcorp
Classification: Likely pathogenic for Dilated cardiomyopathy 1G; Autosomal recessive limb-girdle muscular dystrophy type 2J. Last evaluated: 2024-02-09. Review status: criteria provided, single submitter. Criteria: Invitae Variant Classification Sherloc (09022015). Collection method: clinical testing. Allele origin: germline.
Comment: This sequence change creates a premature translational stop signal (p.Lys29036*) in the TTN gene. While this is not anticipated to result in nonsense mediated decay, it is expected to create a truncated TTN protein. This variant is not present in population databases (gnomAD no frequency). This variant has not been reported in the literature in individuals affected with TTN-related conditions. This variant is located in the A band of TTN (PMID: 25589632). Truncating variants in this region are significantly overrepresented in patients affected with dilated cardiomyopathy (PMID: 25589632). Truncating variants in this region have also been reported in individuals affected with autosomal recessive centronuclear myopathy (PMID: 23975875). In summary, the currently available evidence indicates that the variant is pathogenic, but additional data are needed to prove that conclusively. Therefore, this variant has been classified as Likely Pathogenic.

Literature cited by the submitters: PubMed 25589632; PubMed 23975875.